The following is an entry in ClinVar:

NM_000021.4(PSEN1):c.871A>C (p.Thr291Pro)

Gene: PSEN1 (presenilin 1; plus strand). Cytogenetic location: 14q24.2.
Variant type: single nucleotide variant.
Coding change: c.871A>C on transcript NM_000021.4 (MANE Select); coding-DNA position 871, A replaced by C.
Protein change: p.Thr291Pro; replaces threonine 291 with proline.
Molecular consequence: missense variant.
Genome position (GRCh38, 1-based): chr14:73,206,388, A>C. VCF-style: chr14-73206388-A-C. GRCh37 (hg19) VCF-style: chr14-73673096-A-C.
Other names: c.859A>C, p.Thr287Pro (NM_007318.3); short protein forms T291P, T287P.
Identifiers: ClinVar variation 98093 (VCV000098093.2), dbSNP rs63750298, ClinGen allele CA225143.
Genomic context (GRCh38, chr14:73,206,388, plus strand): 5'-TTGTCTATGCATACTTTGTGTGTCCAGTGCTTACCTGGAATTTTGTCTTTCCCAACAGCA[A>C]CAATGGTGTGGTTGGTGAATATGGCAGAAGGAGACCCGGAAGCTCAAAGGAGAGTATCCA-3'
Protein context (NP_000012.1, residues 281-301): TLFPALIYSS[Thr291Pro]MVWLVNMAEG

ClinVar aggregate classification (germline): Likely pathogenic. Review status: criteria provided, single submitter (1 of 4 stars). 2 submissions from 2 submitters: Likely pathogenic (1). 1 of the submissions does not count toward it. Last evaluated 2023-08-22.

Conditions:
Alzheimer disease 3 (AD3). Also called: ALZHEIMER DISEASE, FAMILIAL, 3. Identifiers: Orphanet 1020, MedGen C1843013, MONDO:0011913, OMIM 607822.

Submissions (2):

3billion
Classification: Likely pathogenic for Alzheimer disease 3. Last evaluated: 2023-08-22. Review status: criteria provided, single submitter. Criteria: ACMG Guidelines, 2015. Collection method: clinical testing. Allele origin: germline. Affected: yes.
Comment: The variant is not observed in the gnomAD v2.1.1 dataset. Predicted Consequence/Location: Missense changes are a common disease-causing mechanism. Functional studies provide strong evidence of the variant having a damaging effect on the gene or gene product (PMID: 16941492, 33969176). In silico tool predictions suggest damaging effect of the variant on gene or gene product [REVEL: 0.97 (>=0.6, sensitivity 0.68 and specificity 0.92); 3Cnet: 0.83 (>=0.6, sensitivity 0.72 and precision 0.9)]. Same nucleotide change resulting in same amino acid change has been previously reported to be associated with PSEN1 related disorder (PMID: 16941492). Therefore, this variant is classified as Likely pathogenic according to the recommendation of ACMG/AMP guideline.

VIB  Department of Molecular Genetics, University of Antwerp
No classification provided. Review status: no classification provided. Collection method: not provided. Allele origin: not provided. Not counted in ClinVar's aggregate classification.

Literature cited by the submitters: PubMed 33969176 (cited by 3billion); PubMed 16941492 (cited by 3billion).